The following is an entry in ClinVar:

ClinVar aggregate classification (germline): Uncertain significance. Review status: criteria provided, single submitter (1 of 4 stars). 2 submissions from 2 submitters: Uncertain significance (1). 1 of the submissions does not count toward it. Last evaluated 2021-09-01.

Conditions:
Usher syndrome type 2A. Also called: RETINAL DISEASE IN USHER SYNDROME TYPE IIA, MODIFIER OF; USHER SYNDROME, TYPE IIA. Identifiers: Orphanet 231178, Orphanet 886, MedGen C1848634, MONDO:0010169, OMIM 276901.

Allele frequency attached by ClinVar (database versions not stated): TOPMed below 0.00001.

Submissions (2):

Labcorp Genetics (formerly Invitae), Labcorp
Classification: Uncertain significance. Last evaluated: 2021-09-01. Review status: criteria provided, single submitter. Criteria: Invitae Variant Classification Sherloc (09022015). Collection method: clinical testing. Allele origin: germline.
Comment: This sequence change replaces glutamine with histidine at codon 1666 of the USH2A protein (p.Gln1666His). The glutamine residue is highly conserved and there is a small physicochemical difference between glutamine and histidine. This variant is not present in population databases (ExAC no frequency). This variant has not been reported in the literature in individuals affected with USH2A-related conditions. Algorithms developed to predict the effect of missense changes on protein structure and function are either unavailable or do not agree on the potential impact of this missense change (SIFT: "Deleterious"; PolyPhen-2: "Probably Damaging"; Align-GVGD: "Class C0"). In summary, the available evidence is currently insufficient to determine the role of this variant in disease. Therefore, it has been classified as a Variant of Uncertain Significance.

Natera, Inc.
Classification: Uncertain significance for Usher syndrome type 2A. Last evaluated: 2020-07-22. Review status: no assertion criteria provided. Collection method: clinical testing. Allele origin: germline. Not counted in ClinVar's aggregate classification.

NM_206933.4(USH2A):c.4998A>T (p.Gln1666His)

Genes: USH2A (usherin; minus strand), USH2A-AS2 (USH2A antisense RNA 2; plus strand). Cytogenetic location: 1q41.
Variant type: single nucleotide variant.
Coding change: c.4998A>T on transcript NM_206933.4 (MANE Select); coding-DNA position 4998, A replaced by T.
Protein change: p.Gln1666His; replaces glutamine 1666 with histidine.
Molecular consequence: missense variant.
Genome position (GRCh38, 1-based): chr1:216,084,867, T>A on the plus strand (A>T on the coding strand, the complement: USH2A is on the minus strand). VCF-style: chr1-216084867-T-A. GRCh37 (hg19) VCF-style: chr1-216258209-T-A.
Other names: short protein forms Q1666H.
Identifiers: ClinVar variation 836953 (VCV000836953.8), dbSNP rs2032076681, ClinGen allele CA344859346.